The following is an entry in ClinVar:

NM_002617.4(PEX10):c.655C>T (p.Leu219=)

Gene: PEX10 (peroxisomal biogenesis factor 10; minus strand). Cytogenetic location: 1p36.32.
Variant type: single nucleotide variant.
Coding change: c.655C>T on transcript NM_002617.4 (MANE Select); coding-DNA position 655, C replaced by T.
Protein change: p.Leu219=; no amino-acid change (leucine 219 retained).
Molecular consequence: synonymous variant. On other transcripts: non-coding transcript variant (1).
Genome position (GRCh38, 1-based): chr1:2,406,841, G>A on the plus strand (C>T on the coding strand, the complement: PEX10 is on the minus strand). VCF-style: chr1-2406841-G-A. GRCh37 (hg19) VCF-style: chr1-2338280-G-A.
Other names: c.712C>T, p.Leu238= (NM_001374425.1); c.280C>T, p.Leu94= (NM_001374426.1); c.223C>T, p.Leu75= (NM_001374427.1); c.715C>T, p.Leu239= (NM_153818.2); c.715C>T (NM_153818.1).
Identifiers: ClinVar variation 1136811 (VCV001136811.8), dbSNP rs1643024162, ClinGen allele CA415775626.
Genomic context (GRCh38, chr1:2,406,841, plus strand): 5'-AACCGTACAGCTGCAGCCCCATGGACAGCACCAGGTGCAGCAGTGAGATGACCCCCAGCA[G>A]CCTGTAGCTAACACGGGCCCTCAGGTCCTCTCCGGGCAGGCTGCGGACACGGAGCTGTAA-3'
Protein context (NP_002608.1, residues 209-229): EDLRARVSYR[Leu219=]LGVISLLHLV

ClinVar aggregate classification (germline): Likely benign. Review status: criteria provided, multiple submitters, no conflicts (2 of 4 stars). 2 submissions from 2 submitters: Likely benign (2). Last evaluated 2025-10-23.

Conditions:
Peroxisome biogenesis disorder, complementation group 7 (CG7). Also called: Peroxisome biogenesis disorder, complementation group B. Identifiers: MedGen C1864399.
PEX10-related disorder. Also called: PEX10-related condition.

Allele frequency attached by ClinVar (database versions not stated): gnomAD exomes below 0.00001.
gnomAD v4.1: 2 of 1,610,676 alleles (0.00012%); highest among the groups gnomAD compares: Non-Finnish European, 0.00017%; no homozygotes.

Submissions (2):

Labcorp Genetics (formerly Invitae), Labcorp
Classification: Likely benign for Peroxisome biogenesis disorder, complementation group 7. Last evaluated: 2025-10-23. Review status: criteria provided, single submitter. Criteria: Invitae Variant Classification Sherloc (09022015). Collection method: clinical testing. Allele origin: germline.

PreventionGenetics, part of Exact Sciences
Classification: Likely benign for PEX10-related condition. Last evaluated: 2025-10-23. Review status: criteria provided, single submitter. Criteria: ACMG Guidelines, 2015. Collection method: clinical testing. Allele origin: germline.
Comment: This variant is classified as likely benign based on ACMG/AMP sequence variant interpretation guidelines (Richards et al. 2015 PMID: 25741868, with internal and published modifications).